The following is an entry in ClinVar:

ClinVar aggregate classification (germline): Likely pathogenic (1 of 4 stars; one submission).

Conditions:
Dilated cardiomyopathy 1G (CMD1G). Identifiers: Orphanet 154, MedGen C1858763, MONDO:0011400, OMIM 604145.
Autosomal recessive limb-girdle muscular dystrophy type 2J (LGMDR10). Also called: Limb-girdle muscular dystrophy, type 2J; MUSCULAR DYSTROPHY, LIMB-GIRDLE, AUTOSOMAL RECESSIVE 10. Identifiers: Orphanet 140922, MedGen C1837342, MONDO:0012127, OMIM 608807.

Submission:

Labcorp Genetics (formerly Invitae), Labcorp
Classification: Likely pathogenic for Dilated cardiomyopathy 1G; Autosomal recessive limb-girdle muscular dystrophy type 2J. Last evaluated: 2025-08-30. Review status: criteria provided, single submitter. Criteria: Invitae Variant Classification Sherloc (09022015). Collection method: clinical testing. Allele origin: germline.
Comment: This sequence change creates a premature translational stop signal (p.Leu4080*) in the TTN gene. While this is not anticipated to result in nonsense mediated decay, it is expected to create a truncated TTN protein. This variant is not present in population databases (gnomAD no frequency). This variant has not been reported in the literature in individuals affected with TTN-related conditions. ClinVar contains an entry for this variant (Variation ID: 834533). This variant is located in the I band of TTN (PMID: 25589632). Truncating variants in this region have been reported in individuals affected with autosomal recessive centronuclear myopathy (PMID: 23975875, internal data). Truncating variants in this region have also been identified in individuals affected with autosomal dominant dilated cardiomyopathy and/or cardio-related conditions (PMID: 27869827, 32964742, internal data). In summary, the currently available evidence indicates that the variant is pathogenic, but additional data are needed to prove that conclusively. Therefore, this variant has been classified as Likely Pathogenic.

Literature cited by the submitters: PubMed 25589632; PubMed 23975875; PubMed 27869827; PubMed 32964742.

NM_001267550.2(TTN):c.12239del (p.Ile4079_Leu4080insTer)

Gene: TTN (titin; minus strand). Cytogenetic location: 2q31.2.
Variant type: Deletion.
Coding change: c.12239del on transcript NM_001267550.2 (MANE Select); coding-DNA position 12239, one base deleted (T; older notation c.12239delT).
Protein change: p.Ile4079_Leu4080insTer.
Molecular consequence: nonsense. On other transcripts: intron variant (1).
Genome position (GRCh38, 1-based): chr2:178,740,994, A deleted on the plus strand (T on the coding strand, the reverse complement: TTN is on the minus strand); the first of 4 consecutive A bases (chr2:178,740,994-178,740,997); deleting any one gives the same sequence. VCF-style (leftmost placement, unchanged base first): chr2-178740993-CA-C. GRCh37 (hg19) VCF-style: chr2-179605720-CA-C.
Other names: c.11288del, p.Ile3762_Leu3763insTer (NM_001256850.1); c.11150del, p.Ile3716_Leu3717insTer (NM_003319.4); c.11525del, p.Ile3841_Leu3842insTer (NM_133432.3); c.11726del, p.Ile3908_Leu3909insTer (NM_133437.4); c.10361-2634del (NM_133378.4).
Identifiers: ClinVar variation 834533 (VCV000834533.10), dbSNP rs2082383767, ClinGen allele CA916081381.